The following is an entry in ClinVar:

ClinVar aggregate classification (germline): Uncertain significance. Review status: criteria provided, multiple submitters, no conflicts (2 of 4 stars). 2 submissions from 2 submitters: Uncertain significance (2). Last evaluated 2025-01-14.

Conditions:
Inborn genetic diseases. Identifiers: MedGen C0950123, MeSH D030342.

Allele frequency attached by ClinVar (database versions not stated): ExAC 0.00001; gnomAD exomes 0.00001; TOPMed 0.00006; gnomAD 0.00007.
gnomAD v4.1: 34 of 1,614,006 alleles (0.0021%); highest among the groups gnomAD compares: African/African-American, 0.017%; no homozygotes.

Submissions (2):

Labcorp Genetics (formerly Invitae), Labcorp
Classification: Uncertain significance. Last evaluated: 2025-01-14. Review status: criteria provided, single submitter. Criteria: Invitae Variant Classification Sherloc (09022015). Collection method: clinical testing. Allele origin: germline.
Comment: This sequence change replaces arginine, which is basic and polar, with glutamine, which is neutral and polar, at codon 496 of the C1S protein (p.Arg496Gln). This variant is present in population databases (rs782655313, gnomAD 0.009%). This variant has not been reported in the literature in individuals affected with C1S-related conditions. ClinVar contains an entry for this variant (Variation ID: 2965298). An algorithm developed to predict the effect of missense changes on protein structure and function outputs the following: PolyPhen-2: "Benign". The glutamine amino acid residue is found in multiple mammalian species, which suggests that this missense change does not adversely affect protein function. In summary, the available evidence is currently insufficient to determine the role of this variant in disease. Therefore, it has been classified as a Variant of Uncertain Significance.

Ambry Genetics
Classification: Uncertain significance for Inborn genetic diseases. Last evaluated: 2024-08-10. Review status: criteria provided, single submitter. Criteria: Ambry Variant Classification Scheme 2023. Collection method: clinical testing. Allele origin: germline.

NM_001734.5(C1S):c.1487G>A (p.Arg496Gln)

Gene: C1S (complement C1s; plus strand). Cytogenetic location: 12p13.31.
Variant type: single nucleotide variant.
Coding change: c.1487G>A on transcript NM_001734.5 (MANE Select); coding-DNA position 1487, G replaced by A.
Protein change: p.Arg496Gln; replaces arginine 496 with glutamine.
Molecular consequence: missense variant.
Genome position (GRCh38, 1-based): chr12:7,070,071, G>A. VCF-style: chr12-7070071-G-A. GRCh37 (hg19) VCF-style: chr12-7177375-G-A.
Other names: c.1487G>A (NM_201442.2); c.986G>A, p.Arg329Gln (NM_001346850.2); c.1487G>A, p.Arg496Gln (NM_201442.4); short protein forms R496Q, R329Q.
Identifiers: ClinVar variation 2965298 (VCV002965298.4), dbSNP rs782655313, ClinGen allele CA6423798.